The following is an entry in ClinVar:

ClinVar aggregate classification (germline): Uncertain significance (1 of 4 stars; one submission).

Conditions:
Spermatogenic failure 18. Identifiers: MedGen C4539783, MONDO:0054615, OMIM 617576.
Ciliary dyskinesia, primary, 37 (CILD37). Also called: CILIARY DYSKINESIA, PRIMARY, 37, WITH OR WITHOUT SITUS INVERSUS. Identifiers: MedGen C4539798, MONDO:0033204, OMIM 617577.

Allele frequency attached by ClinVar (database versions not stated): gnomAD exomes below 0.00001.
gnomAD v4.1: 1 of 1,590,168 alleles (0.000063%); highest among the groups gnomAD compares: Non-Finnish European, 0.000086%; no homozygotes.

Submission:

Labcorp Genetics (formerly Invitae), Labcorp
Classification: Uncertain significance for Ciliary dyskinesia, primary, 37; Spermatogenic failure 18. Last evaluated: 2017-10-31. Review status: criteria provided, single submitter. Criteria: Invitae Variant Classification Sherloc (09022015). Collection method: clinical testing. Allele origin: germline.
Comment: Nucleotide substitutions within the consensus splice site are a relatively common cause of aberrant splicing (PMID: 17576681, 9536098). Algorithms developed to predict the effect of sequence changes on RNA splicing suggest that this variant may disrupt the consensus splice site, but this prediction has not been confirmed by published transcriptional studies. This variant has not been reported in the literature in individuals with DNAH1-related disease. This variant is not present in population databases (ExAC no frequency). This sequence change falls in intron 28 of the DNAH1 gene. It does not directly change the encoded amino acid sequence of the DNAH1 protein, but it affects a nucleotide within the consensus splice site of the intron. In summary, the available evidence is currently insufficient to determine the role of this variant in disease. Therefore, it has been classified as a Variant of Uncertain Significance.

Literature cited by the submitters: PubMed 17576681; PubMed 9536098.

NM_015512.5(DNAH1):c.4686-3C>A

Gene: DNAH1 (dynein axonemal heavy chain 1; plus strand). Cytogenetic location: 3p21.1.
Variant type: single nucleotide variant.
Coding change: c.4686-3C>A on transcript NM_015512.5 (MANE Select); 3 bases into the intron before coding-DNA position 4686, C replaced by A.
Molecular consequence: intron variant.
Genome position (GRCh38, 1-based): chr3:52,361,161, C>A. VCF-style: chr3-52361161-C-A. GRCh37 (hg19) VCF-style: chr3-52395177-C-A.
Identifiers: ClinVar variation 544612 (VCV000544612.6), dbSNP rs1268954616, ClinGen allele CA658796330.